The following is an entry in ClinVar:

NM_020937.4(FANCM):c.2543C>G (p.Thr848Ser)

Gene: FANCM (FA complementation group M; plus strand). Cytogenetic location: 14q21.2.
Variant type: single nucleotide variant.
Coding change: c.2543C>G on transcript NM_020937.4 (MANE Select); coding-DNA position 2543, C replaced by G.
Protein change: p.Thr848Ser; replaces threonine 848 with serine.
Molecular consequence: missense variant.
Genome position (GRCh38, 1-based): chr14:45,175,297, C>G. VCF-style: chr14-45175297-C-G. GRCh37 (hg19) VCF-style: chr14-45644500-C-G.
Other names: c.2465C>G, p.Thr822Ser (NM_001308133.2); c.2543C>G (NM_020937.2); short protein forms T822S, T848S.
Identifiers: ClinVar variation 1445412 (VCV001445412.7), dbSNP rs889187666, ClinGen allele CA259627755.
Genomic context (GRCh38, chr14:45,175,297, plus strand): 5'-CAGTGATAGAATCTGATGAAGAATGTGCTGAAATTGTTAAACAAACTCATATCAAACCTA[C>G]TAAAATTGTTTCTTTAAAGAAAAAAGTGTCTAAAGAAATAAAAAAAGATCAGCTTAAAAA-3'
Protein context (NP_065988.1, residues 838-858): EIVKQTHIKP[Thr848Ser]KIVSLKKKVS

ClinVar aggregate classification (germline): Uncertain significance. Review status: criteria provided, multiple submitters, no conflicts (2 of 4 stars). 2 submissions from 2 submitters: Uncertain significance (2). Last evaluated 2024-12-22.

Conditions:
Inborn genetic diseases. Identifiers: MedGen C0950123, MeSH D030342.
Fanconi anemia (FA). Also called: Fanconi's anemia. Identifiers: Orphanet 84, MedGen C0015625, MeSH D005199, MONDO:0019391.

Allele frequency attached by ClinVar (database versions not stated): gnomAD 0.00002.
gnomAD v4.1: 3 of 1,575,906 alleles (0.00019%); highest among the groups gnomAD compares: African/African-American, 0.0041%; no homozygotes.

Submissions (2):

Ambry Genetics
Classification: Uncertain significance for Inborn genetic diseases. Last evaluated: 2024-12-22. Review status: criteria provided, single submitter. Criteria: Ambry Variant Classification Scheme 2023. Collection method: clinical testing. Allele origin: germline.
Comment: The p.T848S variant (also known as c.2543C>G), located in coding exon 14 of the FANCM gene, results from a C to G substitution at nucleotide position 2543. The threonine at codon 848 is replaced by serine, an amino acid with similar properties. This amino acid position is conserved. In addition, this alteration is predicted to be tolerated by in silico analysis. Based on the available evidence, the clinical significance of this variant remains unclear.

Labcorp Genetics (formerly Invitae), Labcorp
Classification: Uncertain significance for Fanconi anemia. Last evaluated: 2023-08-10. Review status: criteria provided, single submitter. Criteria: Invitae Variant Classification Sherloc (09022015). Collection method: clinical testing. Allele origin: germline.
Comment: This variant is present in population databases (no rsID available, gnomAD 0.02%). In summary, the available evidence is currently insufficient to determine the role of this variant in disease. Therefore, it has been classified as a Variant of Uncertain Significance. An algorithm developed to predict the effect of missense changes on protein structure and function (PolyPhen-2) suggests that this variant is likely to be tolerated. ClinVar contains an entry for this variant (Variation ID: 1445412). This variant has not been reported in the literature in individuals affected with FANCM-related conditions. This sequence change replaces threonine, which is neutral and polar, with serine, which is neutral and polar, at codon 848 of the FANCM protein (p.Thr848Ser).